The following is an entry in ClinVar:

NM_182641.4(BPTF):c.7037C>T (p.Pro2346Leu)

Gene: BPTF (bromodomain PHD finger transcription factor; plus strand). Cytogenetic location: 17q24.2.
Variant type: single nucleotide variant.
Coding change: c.7037C>T on transcript NM_182641.4 (MANE Select); coding-DNA position 7037, C replaced by T.
Protein change: p.Pro2346Leu; replaces proline 2346 with leucine.
Molecular consequence: missense variant.
Genome position (GRCh38, 1-based): chr17:67,945,745, C>T. VCF-style: chr17-67945745-C-T. GRCh37 (hg19) VCF-style: chr17-65941861-C-T.
Other names: c.7415C>T, p.Pro2472Leu (NM_004459.7); c.7037C>T (NM_182641.3); short protein forms P2346L, P2472L.
Identifiers: ClinVar variation 3363770 (VCV003363770.2).
Genomic context (GRCh38, chr17:67,945,745, plus strand): 5'-CAGCACAGTCTCAGCCTCAAAGTAATGTCCAAGGACAGTCTCCTGTTCGTGTCCAAAGTC[C>T]ATCACAGACTCGAATACGTCCATCAACTCCATCCCAACTGTCTCCTGGACAACAATCCCA-3'
Protein context (NP_872579.2, residues 2336-2356): QGQSPVRVQS[Pro2346Leu]SQTRIRPSTP

ClinVar aggregate classification (germline): Uncertain significance. Review status: criteria provided, multiple submitters, no conflicts (2 of 4 stars). 2 submissions from 2 submitters: Uncertain significance (2). Last evaluated 2025-03-22.

Conditions:
Inborn genetic diseases. Identifiers: MedGen C0950123, MeSH D030342.

Submissions (2):

Ambry Genetics
Classification: Uncertain significance for Inborn genetic diseases. Last evaluated: 2025-03-22. Review status: criteria provided, single submitter. Criteria: Ambry Variant Classification Scheme 2023. Collection method: clinical testing. Allele origin: germline.

GeneDx
Classification: Uncertain significance. Last evaluated: 2023-11-28. Review status: criteria provided, single submitter. Criteria: GeneDx Variant Classification Process June 2021. Collection method: clinical testing. Allele origin: germline. Affected: yes.
Comment: Not observed at significant frequency in large population cohorts (gnomAD); In silico analysis supports that this missense variant has a deleterious effect on protein structure/function; Has not been previously published as pathogenic or benign to our knowledge